The following is an entry in ClinVar:

ClinVar aggregate classification (germline): Pathogenic (1 of 4 stars; one submission).

Conditions:
Aniridia 1 (AN1). Identifiers: Orphanet 250923, MedGen C0344542, MONDO:0024507, OMIM 106210.
Irido-corneo-trabecular dysgenesis (ASGD5). Also called: ANTERIOR SEGMENT DYSGENESIS 5. Identifiers: Orphanet 708, MedGen C0344559, MONDO:0011414, OMIM 604229, HP:0000659.

Submission:

Labcorp Genetics (formerly Invitae), Labcorp
Classification: Pathogenic for Aniridia 1; Irido-corneo-trabecular dysgenesis. Last evaluated: 2020-03-02. Review status: criteria provided, single submitter. Criteria: Invitae Variant Classification Sherloc (09022015). Collection method: clinical testing. Allele origin: germline.
Comment: This sequence change creates a premature translational stop signal (p.Glu228Serfs*16) in the PAX6 gene. It is expected to result in an absent or disrupted protein product. This variant is not present in population databases (ExAC no frequency). This variant has not been reported in the literature in individuals with PAX6-related conditions. Loss-of-function variants in PAX6 are known to be pathogenic (PMID: 12634864). For these reasons, this variant has been classified as Pathogenic.

Literature cited by the submitters: PubMed 12634864.

NM_001368894.2(PAX6):c.720del (p.Glu242fs)

Gene: PAX6 (paired box 6; minus strand). Cytogenetic location: 11p13.
Variant type: Deletion.
Coding change: c.720del on transcript NM_001368894.2 (MANE Select); coding-DNA position 720, one base deleted (G; older notation c.720delG).
Protein change: p.Glu242fs; shifts the reading frame from glutamic acid 242.
Molecular consequence: frameshift variant. On other transcripts: non-coding transcript variant (2).
Genome position (GRCh38, 1-based): chr11:31,794,634, C deleted on the plus strand (G on the coding strand, the reverse complement: PAX6 is on the minus strand). VCF-style (leftmost placement, unchanged base first): chr11-31794633-TC-T. GRCh37 (hg19) VCF-style: chr11-31816181-TC-T.
Other names: c.678del, p.Glu228fs (NM_000280.6, NM_001127612.3, NM_001258464.2 and 10 more transcripts); c.720del, p.Glu242fs (NM_001258462.3, NM_001258463.2, NM_001310158.2 and 6 more transcripts); c.270del, p.Glu92fs (NM_001310160.2, NM_001310161.3, NM_001368899.2 and 11 more transcripts); c.921del, p.Glu309fs (NM_001368910.2); c.723del, p.Glu243fs (NM_001368911.2); c.795del, p.Glu267fs (NM_001368918.2, NM_001368919.2); c.753del, p.Glu253fs (NM_001368920.2); c.519del, p.Glu175fs (NM_001368921.2, NM_001368922.2, NM_001368923.2 and 4 more transcripts); and 2 more; short protein forms E161fs, E175fs, E228fs, E242fs, E243fs, E253fs, E267fs, E27fs.
Identifiers: ClinVar variation 1075087 (VCV001075087.7), dbSNP rs2134654635, ClinGen allele CA2499220926.